The following is an entry in ClinVar:

NM_005321.3(H1-4):c.472G>A (p.Ala158Thr)

Gene: H1-4 (H1.4 linker histone, cluster member; plus strand). Cytogenetic location: 6p22.2.
Variant type: single nucleotide variant.
Coding change: c.472G>A on transcript NM_005321.3 (MANE Select); coding-DNA position 472, G replaced by A.
Protein change: p.Ala158Thr; replaces alanine 158 with threonine.
Molecular consequence: missense variant.
Genome position (GRCh38, 1-based): chr6:26,156,862, G>A. VCF-style: chr6-26156862-G-A. GRCh37 (hg19) VCF-style: chr6-26157090-G-A.
Other names: short protein forms A158T.
Identifiers: ClinVar variation 5039594 (VCV005039594.1).
Genomic context (GRCh38, chr6:26,156,862, plus strand): 5'-CCCAAGAAGGCGACGGGGGCGGCCACCCCCAAGAAGAGCGCCAAGAAGACCCCAAAGAAG[G>A]CGAAGAAGCCGGCTGCAGCTGCTGGAGCCAAAAAAGCGAAAAGCCCGAAAAAGGCGAAAG-3'
Protein context (NP_005312.1, residues 148-168): KKSAKKTPKK[Ala158Thr]KKPAAAAGAK

ClinVar aggregate classification (germline): Likely benign (1 of 4 stars; one submission).

gnomAD v4.1: 3 of 1,607,812 alleles (0.00019%); highest among the groups gnomAD compares: Non-Finnish European, 0.00025%; no homozygotes.

Submission:

CeGaT Center for Human Genetics Tuebingen
Classification: Likely benign. Last evaluated: 2026-08-01. Review status: criteria provided, single submitter. Criteria: CeGaT Center For Human Genetics Tuebingen Variant Classification Criteria Version 2. Collection method: clinical testing. Allele origin: germline. Affected: yes. Observed: 1 variant allele.
Comment: H1-4: BP1, BP4, BS2